The following is an entry in ClinVar:

ClinVar aggregate classification (germline): Pathogenic (1 of 4 stars; one submission).

Submission:

Labcorp Genetics (formerly Invitae), Labcorp
Classification: Pathogenic. Last evaluated: 2023-10-06. Review status: criteria provided, single submitter. Criteria: Invitae Variant Classification Sherloc (09022015). Collection method: clinical testing. Allele origin: germline.
Comment: This sequence change creates a premature translational stop signal (p.Leu2434Profs*28) in the PCNT gene. It is expected to result in an absent or disrupted protein product. Loss-of-function variants in PCNT are known to be pathogenic (PMID: 18174396, 22821869). This variant is not present in population databases (gnomAD no frequency). This variant has not been reported in the literature in individuals affected with PCNT-related conditions. For these reasons, this variant has been classified as Pathogenic.

Literature cited by the submitters: PubMed 18174396; PubMed 22821869.

NM_006031.6(PCNT):c.7299_7300del (p.Leu2434fs)

Gene: PCNT (pericentrin; plus strand). Cytogenetic location: 21q22.3.
Variant type: Deletion.
Coding change: c.7299_7300del on transcript NM_006031.6 (MANE Select); coding-DNA positions 7299 to 7300, 2 bases deleted (GC; older notation c.7299_7300delGC).
Protein change: p.Leu2434fs; shifts the reading frame from leucine 2434.
Molecular consequence: frameshift variant.
Genome position (GRCh38, 1-based): chr21:46,425,950-46,425,951, GC deleted; deleting any 2 consecutive bases within chr21:46,425,949-46,425,951 gives the same sequence; the c. name uses the placement nearest the transcript's 3' end. VCF-style (leftmost placement, unchanged base first): chr21-46425948-TCG-T. GRCh37 (hg19) VCF-style: chr21-47845862-TCG-T.
Other names: c.6945_6946del, p.Leu2316fs (NM_001315529.2); short protein forms L2316fs, L2434fs.
Identifiers: ClinVar variation 2766440 (VCV002766440.3), dbSNP rs2518936401, ClinGen allele CA2697547602.
Genomic context (GRCh38, chr21:46,425,948, plus strand): 5'-CTTGCACCCCCAAGCGGCGAGCCACACCCACCCCGGAAGGAAGACGAGATACAGGACATC[TCG>T]CTCCATGGGGGAAAGACGCAGGTTTATTTTGCCCTTCACACACTTCTTTTCCAAAGGATT-3'